The following is an entry in ClinVar:

ClinVar aggregate classification (germline): Uncertain significance. Review status: criteria provided, multiple submitters, no conflicts (2 of 4 stars). 2 submissions from 2 submitters: Uncertain significance (2). Last evaluated 2024-10-20.

Conditions:
Endometrial carcinoma. Also called: Endometrial carcinoma, somatic. Identifiers: MedGen C0476089, MONDO:0002447, OMIM 608089, HP:0012114.

Submissions (2):

Labcorp Genetics (formerly Invitae), Labcorp
Classification: Uncertain significance. Last evaluated: 2024-10-20. Review status: criteria provided, single submitter. Criteria: Invitae Variant Classification Sherloc (09022015). Collection method: clinical testing. Allele origin: germline.
Comment: This variant, c.1496_1510del, results in the deletion of 5 amino acid(s) of the MSH3 protein (p.Val499_Leu503del), but otherwise preserves the integrity of the reading frame. This variant is not present in population databases (gnomAD no frequency). This variant has not been reported in the literature in individuals affected with MSH3-related conditions. ClinVar contains an entry for this variant (Variation ID: 1041140). Experimental studies and prediction algorithms are not available or were not evaluated, and the functional significance of this variant is currently unknown. In summary, the available evidence is currently insufficient to determine the role of this variant in disease. Therefore, it has been classified as a Variant of Uncertain Significance.

Baylor Genetics
Classification: Uncertain significance for Endometrial carcinoma. Last evaluated: 2023-08-25. Review status: criteria provided, single submitter. Criteria: ACMG Guidelines, 2015. Collection method: clinical testing. Allele origin: unknown.

NM_002439.5(MSH3):c.1496_1510del (p.Val499_Leu503del)

Gene: MSH3 (mutS homolog 3; plus strand). Cytogenetic location: 5q14.1.
Variant type: Deletion.
Coding change: c.1496_1510del on transcript NM_002439.5 (MANE Select); coding-DNA positions 1496 to 1510, 15 bases deleted (TGATTTGCTCTTTGG).
Protein change: p.Val499_Leu503del.
Molecular consequence: inframe deletion.
Genome position (GRCh38, 1-based): chr5:80,728,893-80,728,907, TGATTTGCTCTTTGG deleted; deleting any 15 consecutive bases within chr5:80,728,892-80,728,907 gives the same sequence; the c. name uses the placement nearest the transcript's 3' end. VCF-style (leftmost placement, unchanged base first): chr5-80728891-TGTGATTTGCTCTTTG-T. GRCh37 (hg19) VCF-style: chr5-80024710-TGTGATTTGCTCTTTG-T.
Identifiers: ClinVar variation 1041140 (VCV001041140.9), dbSNP rs1743353148, ClinGen allele CA1558494822.
Genomic context (GRCh38, chr5:80,728,891, plus strand): 5'-TAATATATTCTGTTTTCTAGGTTCTCAAATTATTTCTGGCATTGTTAACTTAGAGAAGCC[TGTGATTTGCTCTTTG>T]GCTGCCATCATAAAATACCTCAAAGAATTCAACTTGGAAAAGATGCTCTCCAAACCTGAG-3'